The following is an entry in ClinVar:

ClinVar aggregate classification (germline): Likely benign. Review status: criteria provided, multiple submitters, no conflicts (2 of 4 stars). 4 submissions from 4 submitters: Likely benign (4). Last evaluated 2026-04-13.

Conditions:
COL9A3-related disorder. Also called: COL9A3-related condition.

Allele frequency attached by ClinVar (database versions not stated): gnomAD exomes 0.00002 and 0.00004; ExAC 0.00012; 1000 Genomes Project 30x 0.00016; 1000 Genomes Project 0.00020; TOPMed 0.00022; ESP Exome Variant Server 0.00023; gnomAD 0.00025 and 0.00027.
gnomAD v4.1: 69 of 1,602,328 alleles (0.0043%); highest among the groups gnomAD compares: African/African-American, 0.079%; no homozygotes.

Submissions (4):

PreventionGenetics, part of Exact Sciences
Classification: Likely benign for COL9A3-related condition. Last evaluated: 2026-04-13. Review status: criteria provided, single submitter. Criteria: ACMG Guidelines, 2015. Collection method: clinical testing. Allele origin: germline.
Comment: This variant is classified as likely benign based on ACMG/AMP sequence variant interpretation guidelines (Richards et al. 2015 PMID: 25741868, with internal and published modifications).

Labcorp Genetics (formerly Invitae), Labcorp
Classification: Likely benign. Last evaluated: 2026-01-04. Review status: criteria provided, single submitter. Criteria: Invitae Variant Classification Sherloc (09022015). Collection method: clinical testing. Allele origin: germline.

Blueprint Genetics
Classification: Likely benign. Last evaluated: 2022-09-06. Review status: criteria provided, single submitter. Criteria: ACMG Guidelines, 2015. Collection method: clinical testing. Allele origin: germline.

GeneDx
Classification: Likely benign. Last evaluated: 2020-03-23. Review status: criteria provided, single submitter. Criteria: GeneDx Variant Classification Process June 2021. Collection method: clinical testing. Allele origin: germline. Affected: yes.

NM_001853.4(COL9A3):c.531C>T (p.Ile177=)

Gene: COL9A3 (collagen type IX alpha 3 chain; plus strand). Cytogenetic location: 20q13.33.
Variant type: single nucleotide variant.
Coding change: c.531C>T on transcript NM_001853.4 (MANE Select); coding-DNA position 531, C replaced by T.
Protein change: p.Ile177=; no amino-acid change (isoleucine 177 retained).
Molecular consequence: synonymous variant.
Genome position (GRCh38, 1-based): chr20:62,824,456, C>T. VCF-style: chr20-62824456-C-T. GRCh37 (hg19) VCF-style: chr20-61455808-C-T.
Identifiers: ClinVar variation 1191294 (VCV001191294.12), dbSNP rs138872362, ClinGen allele CA9949342.
Genomic context (GRCh38, chr20:62,824,456, plus strand): 5'-TCCTGCTCTGTTTGGCTGGGAGGGGTCTGACTGCTCTGTTTTCCGACAGTGCCCAAGTAT[C>T]TGCCCGCCAGGTCCCCCAGGGCCCCCTGGAATGCCAGGGTTCAAGGTGAGTCACGGGTGA-3'
Protein context (NP_001844.3, residues 167-187): EGATDLQCPS[Ile177=]CPPGPPGPPG